The following is an entry in ClinVar:

ClinVar aggregate classification (germline): Uncertain significance (1 of 4 stars; one submission).

Conditions:
Ectodermal dysplasia and immunodeficiency 2. Identifiers: Orphanet 238468, Orphanet 98813, MedGen C2677481, MONDO:0012806, OMIM 612132.

Submission:

Labcorp Genetics (formerly Invitae), Labcorp
Classification: Uncertain significance for Ectodermal dysplasia and immunodeficiency 2. Last evaluated: 2024-07-23. Review status: criteria provided, single submitter. Criteria: Invitae Variant Classification Sherloc (09022015). Collection method: clinical testing. Allele origin: germline.
Comment: This sequence change replaces glutamic acid, which is acidic and polar, with alanine, which is neutral and non-polar, at codon 86 of the NFKBIA protein (p.Glu86Ala). This variant is not present in population databases (gnomAD no frequency). This variant has not been reported in the literature in individuals affected with NFKBIA-related conditions. An algorithm developed to predict the effect of missense changes on protein structure and function (PolyPhen-2) suggests that this variant is likely to be tolerated. In summary, the available evidence is currently insufficient to determine the role of this variant in disease. Therefore, it has been classified as a Variant of Uncertain Significance.

NM_020529.3(NFKBIA):c.257A>C (p.Glu86Ala)

Gene: NFKBIA (NFKB inhibitor alpha; minus strand). Cytogenetic location: 14q13.2.
Variant type: single nucleotide variant.
Coding change: c.257A>C on transcript NM_020529.3 (MANE Select); coding-DNA position 257, A replaced by C.
Protein change: p.Glu86Ala; replaces glutamic acid 86 with alanine.
Molecular consequence: missense variant.
Genome position (GRCh38, 1-based): chr14:35,403,769, T>G on the plus strand (A>C on the coding strand, the complement: NFKBIA is on the minus strand). VCF-style: chr14-35403769-T-G. GRCh37 (hg19) VCF-style: chr14-35872975-T-G.
Other names: short protein forms E86A.
Identifiers: ClinVar variation 3659730 (VCV003659730.2).